The following is an entry in ClinVar:

NC_000019.9:g.(?_49705211)_(49705408_?)del

Gene: TRPM4 (transient receptor potential cation channel subfamily M member 4; plus strand). Cytogenetic location: 19q13.33.
Variant type: Deletion.
Identifiers: ClinVar variation 1008081 (VCV001008081.1).

ClinVar aggregate classification (germline): Uncertain significance (1 of 4 stars; one submission).

Conditions:
Progressive familial heart block type IB (PFHB1B). Identifiers: Orphanet 871, MedGen C1970298, MONDO:0011474, OMIM 604559.

Submission:

Labcorp Genetics (formerly Invitae), Labcorp
Classification: Uncertain significance for Progressive familial heart block type IB. Last evaluated: 2020-09-24. Review status: criteria provided, single submitter. Criteria: Invitae Variant Classification Sherloc (09022015). Collection method: clinical testing. Allele origin: germline.
Comment: This variant is an out-of-frame deletion of the genomic region encompassing exon(s) 20 of the TRPM4 gene. This is expected to create a premature translational stop signal and result in an absent or disrupted protein product. This variant has not been reported in the literature in individuals with TRPM4-related conditions. The current clinical and genetic evidence is not sufficient to establish whether loss-of-function variants in TRPM4 cause disease. In summary, the available evidence is currently insufficient to determine the role of this variant in disease. Therefore, it has been classified as a Variant of Uncertain Significance.